The following is an entry in ClinVar:

NM_002432.3(MNDA):c.395T>C (p.Val132Ala)

Gene: MNDA (myeloid cell nuclear differentiation antigen; plus strand). Cytogenetic location: 1q23.1.
Variant type: single nucleotide variant.
Coding change: c.395T>C on transcript NM_002432.3 (MANE Select); coding-DNA position 395, T replaced by C.
Protein change: p.Val132Ala; replaces valine 132 with alanine.
Molecular consequence: missense variant.
Genome position (GRCh38, 1-based): chr1:158,843,408, T>C. VCF-style: chr1-158843408-T-C. GRCh37 (hg19) VCF-style: chr1-158813198-T-C.
Other names: short protein forms V132A.
Identifiers: ClinVar variation 1736514 (VCV001736514.2), dbSNP rs755710921, ClinGen allele CA1185571.

ClinVar aggregate classification (germline): Uncertain significance (1 of 4 stars; one submission).

Allele frequency attached by ClinVar (database versions not stated): gnomAD exomes below 0.00001; ExAC 0.00002.
gnomAD v4.1: 2 of 1,606,426 alleles (0.00012%); highest among the groups gnomAD compares: Non-Finnish European, 0.00017%; no homozygotes.

Submission:

Ambry Genetics
Classification: Uncertain significance. Last evaluated: 2023-11-15. Review status: criteria provided, single submitter. Criteria: Ambry Variant Classification Scheme 2023. Collection method: clinical testing. Allele origin: germline.
Comment: The p.V132A variant (also known as c.395T>C), located in coding exon 2 of the MNDA gene, results from a T to C substitution at nucleotide position 395. The valine at codon 132 is replaced by alanine, an amino acid with similar properties. This amino acid position is conserved. In addition, this alteration is predicted to be tolerated by in silico analysis. Since supporting evidence is limited at this time, the clinical significance of this alteration remains unclear.